The following is an entry in ClinVar:

NM_014444.5(TUBGCP4):c.1425T>A (p.Asn475Lys)

Gene: TUBGCP4 (tubulin gamma complex component 4; plus strand). Cytogenetic location: 15q15.3.
Variant type: single nucleotide variant.
Coding change: c.1425T>A on transcript NM_014444.5 (MANE Select); coding-DNA position 1425, T replaced by A.
Protein change: p.Asn475Lys; replaces asparagine 475 with lysine.
Molecular consequence: missense variant.
Genome position (GRCh38, 1-based): chr15:43,400,050, T>A. VCF-style: chr15-43400050-T-A. GRCh37 (hg19) VCF-style: chr15-43692248-T-A.
Other names: c.1428T>A, p.Asn476Lys (NM_001286414.3); short protein forms N475K, N476K.
Identifiers: ClinVar variation 1001203 (VCV001001203.8), dbSNP rs2044644717, ClinGen allele CA392135275.

ClinVar aggregate classification (germline): Uncertain significance (1 of 4 stars; one submission).

Allele frequency attached by ClinVar (database versions not stated): TOPMed below 0.00001.

Submission:

Labcorp Genetics (formerly Invitae), Labcorp
Classification: Uncertain significance. Last evaluated: 2021-01-29. Review status: criteria provided, single submitter. Criteria: Invitae Variant Classification Sherloc (09022015). Collection method: clinical testing. Allele origin: germline.
Comment: In summary, the available evidence is currently insufficient to determine the role of this variant in disease. Therefore, it has been classified as a Variant of Uncertain Significance. This sequence change replaces asparagine with lysine at codon 476 of the TUBGCP4 protein (p.Asn476Lys). The asparagine residue is highly conserved and there is a moderate physicochemical difference between asparagine and lysine. This variant is not present in population databases (ExAC no frequency). This variant has not been reported in the literature in individuals with TUBGCP4-related conditions. Algorithms developed to predict the effect of missense changes on protein structure and function (SIFT, PolyPhen-2, Align-GVGD) all suggest that this variant is likely to be tolerated, but these predictions have not been confirmed by published functional studies and their clinical significance is uncertain.